The following is an entry in ClinVar:

NM_139076.3(ABRAXAS1):c.62A>G (p.Gln21Arg)

Genes: ABRAXAS1 (abraxas 1, BRCA1 A complex subunit; minus strand), LOC129992784 (ATAC-STARR-seq lymphoblastoid silent region 15542; plus strand). Cytogenetic location: 4q21.23.
Variant type: single nucleotide variant.
Coding change: c.62A>G on transcript NM_139076.3 (MANE Select); coding-DNA position 62, A replaced by G.
Protein change: p.Gln21Arg; replaces glutamine 21 with arginine.
Molecular consequence: missense variant. On other transcripts: 5 prime UTR variant (1).
Genome position (GRCh38, 1-based): chr4:83,485,011, T>C on the plus strand (A>G on the coding strand, the complement: ABRAXAS1 is on the minus strand). VCF-style: chr4-83485011-T-C. GRCh37 (hg19) VCF-style: chr4-84406164-T-C.
Other names: c.-199A>G (NM_001345962.2); short protein forms Q21R.
Identifiers: ClinVar variation 3332637 (VCV003332637.1).

ClinVar aggregate classification (germline): Uncertain significance (1 of 4 stars; one submission).

gnomAD v4.1: 3 of 1,594,366 alleles (0.00019%); highest among the groups gnomAD compares: East Asian, 0.0023%; no homozygotes.

Submission:

Ambry Genetics
Classification: Uncertain significance. Last evaluated: 2024-06-23. Review status: criteria provided, single submitter. Criteria: Ambry Variant Classification Scheme 2023. Collection method: clinical testing. Allele origin: germline.
Comment: The p.Q21R variant (also known as c.62A>G), located in coding exon 1 of the FAM175A gene, results from an A to G substitution at nucleotide position 62. The glutamine at codon 21 is replaced by arginine, an amino acid with highly similar properties. This amino acid position is conserved. In addition, this alteration is predicted to be tolerated by in silico analysis. Based on the available evidence, the clinical significance of this variant remains unclear.